The following is an entry in ClinVar:

NM_198253.3(TERT):c.1770-2A>G

Gene: TERT (telomerase reverse transcriptase; minus strand). Cytogenetic location: 5p15.33.
Variant type: single nucleotide variant.
Coding change: c.1770-2A>G on transcript NM_198253.3 (MANE Select); the canonical splice acceptor site of the intron before coding-DNA position 1770, A replaced by G.
Molecular consequence: splice acceptor variant.
Genome position (GRCh38, 1-based): chr5:1,280,340, T>C on the plus strand (A>G on the coding strand, the complement: TERT is on the minus strand). VCF-style: chr5-1280340-T-C. GRCh37 (hg19) VCF-style: chr5-1280455-T-C.
Other names: c.1770-2A>G (NM_001193376.3).
Identifiers: ClinVar variation 4561990 (VCV004561990.1).

ClinVar aggregate classification (germline): Likely pathogenic (1 of 4 stars; one submission).

Conditions:
Dyskeratosis congenita. Identifiers: Orphanet 1775, MedGen C0265965, MONDO:0015780.

Submission:

Ambry Genetics
Classification: Likely pathogenic for Dyskeratosis congenita. Last evaluated: 2025-12-09. Review status: criteria provided, single submitter. Criteria: Ambry Variant Classification Scheme 2023. Collection method: clinical testing. Allele origin: germline.
Comment: The c.1770-2A>G intronic variant results from an A to G substitution two nucleotides upstream from coding exon 4 in the TERT gene. This variant was reported in individual(s) with idiopathic pulmonary fibrosis (Petrovski S et al. Am J Respir Crit Care Med, 2017 Jul;196:82-93). This variant is considered to be rare based on population cohorts in the Genome Aggregation Database (gnomAD). This nucleotide position is highly conserved in available vertebrate species. In silico splice site analysis predicts that this alteration will weaken the native splice acceptor site. Alterations that disrupt the canonical splice site are expected to cause aberrant splicing, resulting in an abnormal protein or a transcript that is subject to nonsense-mediated mRNA decay. As such, this alteration is classified as likely pathogenic.

Literature cited by the submitters: PubMed 28099038.